The following is an entry in ClinVar:

ClinVar aggregate classification (germline): Uncertain significance (1 of 4 stars; one submission).

Submission:

Labcorp Genetics (formerly Invitae), Labcorp
Classification: Uncertain significance. Last evaluated: 2025-05-05. Review status: criteria provided, single submitter. Criteria: Invitae Variant Classification Sherloc (09022015). Collection method: clinical testing. Allele origin: germline.
Comment: This sequence change replaces alanine, which is neutral and non-polar, with threonine, which is neutral and polar, at codon 38 of the IMPDH1 protein (p.Ala38Thr). This variant is not present in population databases (gnomAD no frequency). This variant has not been reported in the literature in individuals affected with IMPDH1-related conditions. ClinVar contains an entry for this variant (Variation ID: 1361613). An algorithm developed to predict the effect of missense changes on protein structure and function (PolyPhen-2) suggests that this variant is likely to be disruptive. In summary, the available evidence is currently insufficient to determine the role of this variant in disease. Therefore, it has been classified as a Variant of Uncertain Significance.

NM_000883.4(IMPDH1):c.112G>A (p.Ala38Thr)

Genes: IMPDH1 (inosine monophosphate dehydrogenase 1; minus strand), LOC129999258 (ATAC-STARR-seq lymphoblastoid silent region 18606; plus strand). Cytogenetic location: 7q32.1.
Variant type: single nucleotide variant.
Coding change: c.112G>A on transcript NM_000883.4 (MANE Select); coding-DNA position 112, G replaced by A.
Protein change: p.Ala38Thr; replaces alanine 38 with threonine.
Molecular consequence: missense variant.
Genome position (GRCh38, 1-based): chr7:128,409,790, C>T on the plus strand (G>A on the coding strand, the complement: IMPDH1 is on the minus strand). VCF-style: chr7-128409790-C-T. GRCh37 (hg19) VCF-style: chr7-128049844-C-T.
Other names: c.112G>A, p.Ala38Thr (NM_001102605.2, NM_001142576.2, NM_001304521.2 and 1 more transcripts); short protein forms A38T.
Identifiers: ClinVar variation 1361613 (VCV001361613.8), dbSNP rs573617098, ClinGen allele CA369181885.